The following is an entry in ClinVar:

NM_004168.4(SDHA):c.770+1147T>G

Gene: SDHA (succinate dehydrogenase complex flavoprotein subunit A; plus strand). Cytogenetic location: 5p15.33.
Variant type: single nucleotide variant.
Coding change: c.770+1147T>G on transcript NM_004168.4 (MANE Select); 1147 bases into the intron after coding-DNA position 770, T replaced by G.
Molecular consequence: intron variant.
Genome position (GRCh38, 1-based): chr5:229,480, T>G. VCF-style: chr5-229480-T-G. GRCh37 (hg19) VCF-style: chr5-229595-T-G.
Other names: c.770+1147T>G (NM_001330758.2); c.626+1147T>G (NM_001294332.2).
Identifiers: ClinVar variation 3759321 (VCV003759321.2).

ClinVar aggregate classification (germline): Uncertain significance (1 of 4 stars; one submission).

Conditions:
Mitochondrial complex II deficiency, nuclear type 1. Also called: SUCCINATE CoQ REDUCTASE DEFICIENCY. Identifiers: Orphanet 3208, MedGen C5700310, MONDO:0100294, OMIM 252011.
Pheochromocytoma/paraganglioma syndrome 5. Also called: Paragangliomas 5; SDHA-Related Hereditary Paraganglioma-Pheochromocytoma Syndrome. Identifiers: Orphanet 29072, MedGen C3279992, MONDO:0013602, OMIM 614165.

gnomAD v4.1: 3 of 152,246 alleles (0.002%); highest among the groups gnomAD compares: African/African-American, 0.0072%; no homozygotes.

Submission:

Labcorp Genetics (formerly Invitae), Labcorp
Classification: Uncertain significance for Pheochromocytoma/paraganglioma syndrome 5; Mitochondrial complex II deficiency, nuclear type 1. Last evaluated: 2024-09-30. Review status: criteria provided, single submitter. Criteria: Invitae Variant Classification Sherloc (09022015). Collection method: clinical testing. Allele origin: germline.
Comment: This sequence change falls in intron 6 of the SDHA gene. It does not directly change the encoded amino acid sequence of the SDHA protein. RNA analysis indicates that this variant induces altered splicing and may result in an absent or altered protein product. This variant is not present in population databases (gnomAD no frequency). This variant has not been reported in the literature in individuals affected with SDHA-related conditions. Studies have shown that this variant results in activation of a cryptic splice site, and produces a non-functional protein and/or introduces a premature termination codon (internal data). In summary, the available evidence is currently insufficient to determine the role of this variant in disease. Therefore, it has been classified as a Variant of Uncertain Significance.